The following is an entry in ClinVar:

NM_007294.4(BRCA1):c.264A>C (p.Lys88Asn)

Gene: BRCA1 (BRCA1 DNA repair associated; minus strand). Cytogenetic location: 17q21.31.
Variant type: single nucleotide variant.
Coding change: c.264A>C on transcript NM_007294.4 (MANE Select); coding-DNA position 264, A replaced by C.
Protein change: p.Lys88Asn; replaces lysine 88 with asparagine.
Molecular consequence: missense variant. On other transcripts: non-coding transcript variant (1).
Genome position (GRCh38, 1-based): chr17:43,104,905, T>G on the plus strand (A>C on the coding strand, the complement: BRCA1 is on the minus strand). VCF-style: chr17-43104905-T-G. GRCh37 (hg19) VCF-style: chr17-41256922-T-G.
Other names: c.54A>C, p.Lys18Asn (NM_001407571.1, NM_001407853.1, NM_001407879.1 and 58 more transcripts); c.264A>C, p.Lys88Asn (NM_001407581.1, NM_001407582.1, NM_001407583.1 and 168 more transcripts); c.186A>C, p.Lys62Asn (NM_001407653.1, NM_001407654.1, NM_001407655.1 and 21 more transcripts); c.123A>C, p.Lys41Asn (NM_001407692.1, NM_001407694.1, NM_001407695.1 and 99 more transcripts); c.-118A>C (NM_001407959.1, NM_001407960.1, NM_001407962.1 and 4 more transcripts); c.132A>C, p.Lys44Asn (NM_001408451.1); short protein forms K41N, K88N, K44N, K18N, K62N.
Identifiers: ClinVar variation 868330 (VCV000868330.3), dbSNP rs2054681664, ClinGen allele CA10601627.

Conditions:
Breast-ovarian cancer, familial, susceptibility to, 1 (BROVCA1). Also called: BRCA1 Hereditary Breast and Ovarian Cancer; OVARIAN CANCER, SUSCEPTIBILITY TO. Identifiers: Orphanet 145, MedGen C2676676, MONDO:0011450, OMIM 604370. Disease mechanism: loss of function.

Submission:

Brotman Baty Institute, University of Washington
No classification provided (evidence only). Condition: Breast-ovarian cancer, familial 1. Review status: no classification provided. Collection method: in vitro. Allele origin: not applicable. Functional consequence: functionally_normal.
ClinVar note: "not provided" was previously submitted as the classification for the variant. However, the classification appeared to be based only on an observation of functional data so it was converted to no classification on 2025-07-30.